The following is an entry in ClinVar:

ClinVar aggregate classification (germline): Uncertain significance (1 of 4 stars; one submission).

Allele frequency attached by ClinVar (database versions not stated): gnomAD 0.00001; TOPMed 0.00001; ExAC 0.00004; gnomAD exomes 0.00004; ESP Exome Variant Server 0.00008.
gnomAD v4.1: 39 of 1,614,038 alleles (0.0024%); highest among the groups gnomAD compares: Non-Finnish European, 0.0029%; no homozygotes.

Submission:

Labcorp Genetics (formerly Invitae), Labcorp
Classification: Uncertain significance. Last evaluated: 2021-08-26. Review status: criteria provided, single submitter. Criteria: Invitae Variant Classification Sherloc (09022015). Collection method: clinical testing. Allele origin: germline.
Comment: In summary, the available evidence is currently insufficient to determine the role of this variant in disease. Therefore, it has been classified as a Variant of Uncertain Significance. Experimental studies and prediction algorithms are not available or were not evaluated, and the functional significance of this variant is currently unknown. This variant has not been reported in the literature in individuals affected with ARMC9-related conditions. This variant is present in population databases (rs369080231, ExAC 0.007%). This sequence change replaces tyrosine with cysteine at codon 360 of the ARMC9 protein (p.Tyr360Cys). The tyrosine residue is moderately conserved and there is a large physicochemical difference between tyrosine and cysteine.

NM_001352754.2(ARMC9):c.1079A>G (p.Tyr360Cys)

Gene: ARMC9 (armadillo repeat containing 9; plus strand). Cytogenetic location: 2q37.1.
Variant type: single nucleotide variant.
Coding change: c.1079A>G on transcript NM_001352754.2 (MANE Select); coding-DNA position 1079, A replaced by G.
Protein change: p.Tyr360Cys; replaces tyrosine 360 with cysteine.
Molecular consequence: missense variant. On other transcripts: non-coding transcript variant (1).
Genome position (GRCh38, 1-based): chr2:231,262,358, A>G. VCF-style: chr2-231262358-A-G. GRCh37 (hg19) VCF-style: chr2-232127071-A-G.
Other names: c.1079A>G, p.Tyr360Cys (NM_001271466.4, NM_001291656.2, NM_001352755.2 and 3 more transcripts); c.980A>G, p.Tyr327Cys (NM_001352757.2, NM_001352758.2); short protein forms Y327C, Y360C.
Identifiers: ClinVar variation 1412532 (VCV001412532.6), dbSNP rs369080231, ClinGen allele CA2160173.
Genomic context (GRCh38, chr2:231,262,358, plus strand): 5'-TGCTCCAGCGCTTGACCACATCCCATCCTGGAGAGCAGAGGGAGACCGTTCTGCAAGCCT[A>G]CATCAGCAATGACCTCTTGGACTGTTATAGCCACAACCAGGTTGGTAAGAGGTGGGGCCA-3'
Protein context (NP_001339683.2, residues 350-370): GEQRETVLQA[Tyr360Cys]ISNDLLDCYS